The following is an entry in ClinVar:

NM_005566.4(LDHA):c.439G>T (p.Ala147Ser)

Gene: LDHA (lactate dehydrogenase A; plus strand). Cytogenetic location: 11p15.1.
Variant type: single nucleotide variant.
Coding change: c.439G>T on transcript NM_005566.4 (MANE Select); coding-DNA position 439, G replaced by T.
Protein change: p.Ala147Ser; replaces alanine 147 with serine.
Molecular consequence: missense variant. On other transcripts: non-coding transcript variant (1).
Genome position (GRCh38, 1-based): chr11:18,402,860, G>T. VCF-style: chr11-18402860-G-T. GRCh37 (hg19) VCF-style: chr11-18424407-G-T.
Other names: p.Ala147Ser; c.265G>T, p.Ala89Ser (NM_001135239.2); c.526G>T, p.Ala176Ser (NM_001165414.2); c.439G>T, p.Ala147Ser (NM_001165415.2, NM_001165416.2); short protein forms A147S, A176S, A89S.
Identifiers: ClinVar variation 558834 (VCV000558834.60), dbSNP rs116841148, ClinGen allele CA5911303.

ClinVar aggregate classification (germline): Conflicting classifications of pathogenicity. Review status: criteria provided, conflicting classifications (1 of 4 stars). 6 submissions from 6 submitters: Uncertain significance (1); Benign (1); Likely benign (4). Last evaluated 2026-01-27.

Conditions:
Glycogen storage disease due to lactate dehydrogenase M-subunit deficiency (GSD11). Also called: Glycogen storage disease XI; GSD XI; LACTATE DEHYDROGENASE A DEFICIENCY. Identifiers: Orphanet 284426, MedGen C2931743, MONDO:0013047, OMIM 612933.
LDHA-related disorder. Also called: LDHA-related condition.

Allele frequency attached by ClinVar (database versions not stated): 1000 Genomes Project 30x 0.00047; 1000 Genomes Project 0.00060; TOPMed 0.00115; gnomAD 0.00140 and 0.00148; gnomAD exomes 0.00153 and 0.00193; ExAC 0.00172; ESP Exome Variant Server 0.00185.
gnomAD v4.1: 2,997 of 1,612,432 alleles (0.19%); highest among the groups gnomAD compares: Non-Finnish European, 0.23%; 6 homozygotes.

Submissions (6):

Labcorp Genetics (formerly Invitae), Labcorp
Classification: Likely benign for Glycogen storage disease due to lactate dehydrogenase M-subunit deficiency. Last evaluated: 2026-01-27. Review status: criteria provided, single submitter. Criteria: Invitae Variant Classification Sherloc (09022015). Collection method: clinical testing. Allele origin: germline.

CeGaT Center for Human Genetics Tuebingen
Classification: Likely benign. Last evaluated: 2025-11-01. Review status: criteria provided, single submitter. Criteria: CeGaT Center For Human Genetics Tuebingen Variant Classification Criteria Version 2. Collection method: clinical testing. Allele origin: germline. Affected: yes. Observed: 4 variant alleles.
Comment: LDHA: PP3, BS1

Mayo Clinic Laboratories, Mayo Clinic
Classification: Benign. Last evaluated: 2025-10-22. Review status: criteria provided, single submitter. Criteria: ACMG Guidelines, 2015. Collection method: clinical testing. Allele origin: germline. Observed: 3 variant alleles.
Comment: BS1, BS2

PreventionGenetics, part of Exact Sciences
Classification: Likely benign for LDHA-related condition. Last evaluated: 2025-10-15. Review status: criteria provided, single submitter. Criteria: ACMG Guidelines, 2015. Collection method: clinical testing. Allele origin: germline.
Comment: This variant is classified as likely benign based on ACMG/AMP sequence variant interpretation guidelines (Richards et al. 2015 PMID: 25741868, with internal and published modifications).

GeneDx
Classification: Likely benign. Last evaluated: 2019-07-12. Review status: criteria provided, single submitter. Criteria: GeneDx Variant Classification Process June 2021. Collection method: clinical testing. Allele origin: germline. Affected: yes.
Comment: This variant is associated with the following publications: (PMID: 26838040)

Illumina Laboratory Services, Illumina
Classification: Uncertain significance for Glycogen storage disease due to lactate dehydrogenase M-subunit deficiency. Last evaluated: 2017-04-27. Review status: criteria provided, single submitter. Criteria: ICSL Variant Classification Criteria 13 December 2019. Collection method: clinical testing. Allele origin: germline.
Comment: This variant was observed as part of a predisposition screen in an ostensibly healthy population. A literature search was performed for the gene, cDNA change, and amino acid change (where applicable). Publications were found based on this search. However, the evidence from the literature, in combination with allele frequency data from public databases where available, was not sufficient to rule this variant in or out of causing disease. Therefore, this variant is classified as a variant of unknown significance.

Literature cited by the submitters: PubMed 26838040 (cited by Mayo Clinic Laboratories, Mayo Clinic and Illumina Laboratory Services, Illumina).